The following is an entry in ClinVar:

ClinVar aggregate classification (germline): Uncertain significance. Review status: criteria provided, multiple submitters, no conflicts (2 of 4 stars). 3 submissions from 3 submitters: Uncertain significance (3). Last evaluated 2025-07-12.

Conditions:
Inborn genetic diseases. Identifiers: MedGen C0950123, MeSH D030342.

Allele frequency attached by ClinVar (database versions not stated): TOPMed below 0.00001.

Submissions (3):

Ambry Genetics
Classification: Uncertain significance for Inborn genetic diseases. Last evaluated: 2025-07-12. Review status: criteria provided, single submitter. Criteria: Ambry Variant Classification Scheme 2023. Collection method: clinical testing. Allele origin: germline.

Labcorp Genetics (formerly Invitae), Labcorp
Classification: Uncertain significance. Last evaluated: 2023-11-19. Review status: criteria provided, single submitter. Criteria: Invitae Variant Classification Sherloc (09022015). Collection method: clinical testing. Allele origin: germline.
Comment: This sequence change replaces arginine, which is basic and polar, with cysteine, which is neutral and slightly polar, at codon 749 of the MAGEL2 protein (p.Arg749Cys). This variant is not present in population databases (gnomAD no frequency). This variant has not been reported in the literature in individuals affected with MAGEL2-related conditions. ClinVar contains an entry for this variant (Variation ID: 1254931). Advanced modeling of protein sequence and biophysical properties (such as structural, functional, and spatial information, amino acid conservation, physicochemical variation, residue mobility, and thermodynamic stability) has been performed at Invitae for this missense variant, however the output from this modeling did not meet the statistical confidence thresholds required to predict the impact of this variant on MAGEL2 protein function. In summary, the available evidence is currently insufficient to determine the role of this variant in disease. Therefore, it has been classified as a Variant of Uncertain Significance.

GeneDx
Classification: Uncertain significance. Last evaluated: 2021-07-27. Review status: criteria provided, single submitter. Criteria: GeneDx Variant Classification Process June 2021. Collection method: clinical testing. Allele origin: germline. Affected: yes.
Comment: Not observed at significant frequency in large population cohorts (Lek et al., 2016); In silico analysis supports that this missense variant does not alter protein structure/function; Has not been previously published as pathogenic or benign to our knowledge

NM_019066.5(MAGEL2):c.2245C>T (p.Arg749Cys)

Gene: MAGEL2 (MAGE family member L2; minus strand). Cytogenetic location: 15q11.2.
Variant type: single nucleotide variant.
Coding change: c.2245C>T on transcript NM_019066.5 (MANE Select); coding-DNA position 2245, C replaced by T.
Protein change: p.Arg749Cys; replaces arginine 749 with cysteine.
Molecular consequence: missense variant.
Genome position (GRCh38, 1-based): chr15:23,645,498, G>A on the plus strand (C>T on the coding strand, the complement: MAGEL2 is on the minus strand). VCF-style: chr15-23645498-G-A. GRCh37 (hg19) VCF-style: chr15-23890645-G-A.
Other names: short protein forms R749C.
Identifiers: ClinVar variation 1254931 (VCV001254931.6), dbSNP rs1890376702, ClinGen allele CA391332389.